The following is an entry in ClinVar:

NM_001145252.3(CFP):c.1291T>G (p.Phe431Val)

Gene: CFP (complement factor properdin; minus strand). Cytogenetic location: Xp11.23.
Variant type: single nucleotide variant.
Coding change: c.1291T>G on transcript NM_001145252.3 (MANE Select); coding-DNA position 1291, T replaced by G.
Protein change: p.Phe431Val; replaces phenylalanine 431 with valine.
Molecular consequence: missense variant.
Genome position (GRCh38, 1-based): chrX:47,624,394, A>C on the plus strand (T>G on the coding strand, the complement: CFP is on the minus strand). VCF-style: chrX-47624394-A-C. GRCh37 (hg19) VCF-style: chrX-47483793-A-C.
Other names: c.1291T>G, p.Phe431Val (NM_002621.2); short protein forms F431V.
Identifiers: ClinVar variation 2381972 (VCV002381972.5), dbSNP rs752325590, ClinGen allele CA10398820.

ClinVar aggregate classification (germline): Uncertain significance. Review status: criteria provided, multiple submitters, no conflicts (2 of 4 stars). 2 submissions from 2 submitters: Uncertain significance (2). Last evaluated 2023-08-22.

Conditions:
Inborn genetic diseases. Identifiers: MedGen C0950123, MeSH D030342.

Allele frequency attached by ClinVar (database versions not stated): gnomAD 0.00001; gnomAD exomes 0.00001; TOPMed 0.00002.

Submissions (2):

Labcorp Genetics (formerly Invitae), Labcorp
Classification: Uncertain significance. Last evaluated: 2023-08-22. Review status: criteria provided, single submitter. Criteria: Invitae Variant Classification Sherloc (09022015). Collection method: clinical testing. Allele origin: germline.
Comment: In summary, the available evidence is currently insufficient to determine the role of this variant in disease. Therefore, it has been classified as a Variant of Uncertain Significance. Advanced modeling of protein sequence and biophysical properties (such as structural, functional, and spatial information, amino acid conservation, physicochemical variation, residue mobility, and thermodynamic stability) performed at Invitae indicates that this missense variant is expected to disrupt CFP protein function. ClinVar contains an entry for this variant (Variation ID: 2381972). This variant has not been reported in the literature in individuals affected with CFP-related conditions. This variant is present in population databases (rs752325590, gnomAD 0.008%). This sequence change replaces phenylalanine, which is neutral and non-polar, with valine, which is neutral and non-polar, at codon 431 of the CFP protein (p.Phe431Val).

Ambry Genetics
Classification: Uncertain significance for Inborn genetic diseases. Last evaluated: 2021-07-15. Review status: criteria provided, single submitter. Criteria: Ambry Variant Classification Scheme 2023. Collection method: clinical testing. Allele origin: germline.